The following is an entry in ClinVar:

ClinVar aggregate classification (germline): Uncertain significance (1 of 4 stars; one submission).

Conditions:
Hereditary cancer-predisposing syndrome. Also called: Hereditary neoplastic syndrome; Tumor predisposition; Neoplastic Syndromes, Hereditary; Hereditary Cancer Syndrome. Identifiers: Orphanet 140162, MedGen C0027672, MeSH D009386, MONDO:0015356.

Submission:

Ambry Genetics
Classification: Uncertain significance for Hereditary cancer-predisposing syndrome. Last evaluated: 2026-03-06. Review status: criteria provided, single submitter. Criteria: Ambry Variant Classification Scheme 2023. Collection method: clinical testing. Allele origin: germline.
Comment: The p.Q237H variant (also known as c.711G>C), located in coding exon 5 of the FH gene, results from a G to C substitution at nucleotide position 711. The glutamine at codon 237 is replaced by histidine, an amino acid with highly similar properties. This amino acid position is conserved. In addition, this alteration is predicted to be deleterious by in silico analysis. Based on the available evidence, the clinical significance of this variant remains unclear.

NM_000143.4(FH):c.711G>C (p.Gln237His)

Gene: FH (fumarate hydratase; minus strand). Cytogenetic location: 1q43.
Variant type: single nucleotide variant.
Coding change: c.711G>C on transcript NM_000143.4 (MANE Select); coding-DNA position 711, G replaced by C.
Protein change: p.Gln237His; replaces glutamine 237 with histidine.
Molecular consequence: missense variant.
Genome position (GRCh38, 1-based): chr1:241,508,630, C>G on the plus strand (G>C on the coding strand, the complement: FH is on the minus strand). VCF-style: chr1-241508630-C-G. GRCh37 (hg19) VCF-style: chr1-241671930-C-G.
Other names: short protein forms Q237H.
Identifiers: ClinVar variation 3278761 (VCV003278761.2).